The following is an entry in ClinVar:

ClinVar aggregate classification (germline): Likely benign (1 of 4 stars; one submission).

gnomAD v4.1: 8 of 1,595,418 alleles (0.0005%); highest among the groups gnomAD compares: Non-Finnish European, 0.0006%; no homozygotes.

Submission:

CeGaT Center for Human Genetics Tuebingen
Classification: Likely benign. Last evaluated: 2025-07-01. Review status: criteria provided, single submitter. Criteria: CeGaT Center For Human Genetics Tuebingen Variant Classification Criteria Version 2. Collection method: clinical testing. Allele origin: germline. Affected: yes. Observed: 1 variant allele.
Comment: SRCAP: BP4, BP7

NM_006662.3(SRCAP):c.7444T>C (p.Leu2482=)

Gene: SRCAP (Snf2 related CREBBP activator protein; plus strand). Cytogenetic location: 16p11.2.
Variant type: single nucleotide variant.
Coding change: c.7444T>C on transcript NM_006662.3 (MANE Select); coding-DNA position 7444, T replaced by C.
Protein change: p.Leu2482=; no amino-acid change (leucine 2482 retained).
Molecular consequence: synonymous variant.
Genome position (GRCh38, 1-based): chr16:30,737,484, T>C. VCF-style: chr16-30737484-T-C. GRCh37 (hg19) VCF-style: chr16-30748805-T-C.
Identifiers: ClinVar variation 4084595 (VCV004084595.8).
Genomic context (GRCh38, chr16:30,737,484, plus strand): 5'-GTTTCTGCCCCAGTACCCATTTCAGCCCCAAATCCAATAACCATTCTCCCTGTCCATATC[T>C]TGCCTTCTCCTCCCCCTCCTTCACAGATTCCTCCTTGTTCTTCTCCTGCCTGCACCCCTC-3'
Protein context (NP_006653.2, residues 2472-2492): NPITILPVHI[Leu2482=]PSPPPPSQIP